The following is an entry in ClinVar:

NM_001009944.3(PKD1):c.741_742dup (p.Cys248fs)

Gene: PKD1 (polycystin 1, transient receptor potential channel interacting; minus strand). Cytogenetic location: 16p13.3.
Variant type: Microsatellite.
Coding change: c.741_742dup on transcript NM_001009944.3 (MANE Select); coding-DNA positions 741 to 742, 2 bases duplicated (CT; older notation c.741_742dupCT).
Protein change: p.Cys248fs; shifts the reading frame from cysteine 248.
Molecular consequence: frameshift variant.
Genome position (GRCh38, 1-based): chr16:2,118,250-2,118,251, AG duplicated on the plus strand (CT on the coding strand, the reverse complement: PKD1 is on the minus strand); duplicating any 2 consecutive bases within chr16:2,118,250-2,118,253 gives the same sequence; the c. name uses the placement nearest the transcript's 3' end. VCF-style (leftmost placement, unchanged base first): chr16-2118249-C-CAG. GRCh37 (hg19) VCF-style: chr16-2168250-C-CAG.
Other names: c.741_742dup, p.Cys248fs (NM_000296.4); c.741_742dupCT (NM_001009944.3); short protein forms C248fs.
Identifiers: ClinVar variation 562278 (VCV000562278.2), dbSNP rs1567218104, ClinGen allele CA658823813.

ClinVar aggregate classification (germline): Pathogenic. Review status: criteria provided, single submitter (1 of 4 stars). 2 submissions from 2 submitters: Pathogenic (1). 1 of the submissions does not count toward it. Last evaluated 2025-09-30.

Conditions:
Polycystic kidney disease, adult type (PKD1). Also called: Polycystic Kidney Disease 1, Autosomal Dominant; Polycystic kidney disease 1; Polycystic kidney disease 1, severe; POLYCYSTIC KIDNEY DISEASE 1 WITH OR WITHOUT POLYCYSTIC LIVER DISEASE; Polycystic Kidney, Autosomal Dominant; POLYCYSTIC KIDNEY DISEASE, ADULT, TYPE I. Identifiers: MedGen C3149841, MONDO:0008263, OMIM 173900.

Submissions (2):

Women's Health and Genetics/Laboratory Corporation of America, LabCorp
Classification: Pathogenic for Polycystic kidney disease, adult type. Last evaluated: 2025-09-30. Review status: criteria provided, single submitter. Criteria: LabCorp Variant Classification Summary - May 2015. Collection method: clinical testing. Allele origin: germline.
Comment: Variant summary: PKD1 c.741_742dupCT (p.Cys248SerfsX43) results in a premature termination codon, predicted to cause a truncation of the encoded protein or absence of the protein due to nonsense mediated decay, which are commonly known mechanisms for disease. The frequency data for this variant in gnomAD is considered unreliable, as metrics indicate poor data quality at this position. To our knowledge, no occurrence of c.741_742dupCT in individuals affected with PKD1-related conditions and no experimental evidence demonstrating its impact on protein function have been reported. ClinVar contains an entry for this variant (Variation ID: 562278). Based on the evidence outlined above, the variant was classified as pathogenic.

Gharavi Laboratory, Columbia University
Classification: Likely pathogenic. Last evaluated: 2018-09-16. Review status: no assertion criteria provided. Criteria: ACMG Guidelines, 2015. Collection method: research. Allele origin: germline. Affected: yes. Not counted in ClinVar's aggregate classification.